The following is an entry in ClinVar:

NM_001289125.3(IFNAR2):c.1152C>T (p.Ser384=)

Genes: IFNAR2 (interferon alpha and beta receptor subunit 2; plus strand), IFNAR2-IL10RB (IFNAR2-IL10RB readthrough; plus strand). Cytogenetic location: 21q22.11.
Variant type: single nucleotide variant.
Coding change: c.1152C>T on transcript NM_001289125.3 (MANE Select); coding-DNA position 1152, C replaced by T.
Protein change: p.Ser384=; no amino-acid change (serine 384 retained).
Molecular consequence: synonymous variant. On other transcripts: 3 prime UTR variant (5).
Genome position (GRCh38, 1-based): chr21:33,263,104, C>T. VCF-style: chr21-33263104-C-T. GRCh37 (hg19) VCF-style: chr21-34635409-C-T.
Other names: p.Ser384=; c.*388C>T (NM_000874.5, NM_207584.3); c.*301C>T (NM_001289126.2, NM_001289128.2); c.*527C>T (NM_001385054.1); c.1152C>T, p.Ser384= (NM_001385055.1, NM_207585.3); c.1152C>T (NM_207585.2).
Identifiers: ClinVar variation 1165918 (VCV001165918.33), dbSNP rs139545182, ClinGen allele CA10005924.

ClinVar aggregate classification (germline): Benign/Likely benign. Review status: criteria provided, multiple submitters, no conflicts (2 of 4 stars). 6 submissions from 6 submitters: Benign (4); Likely benign (1). 1 of the submissions does not count toward it. Last evaluated 2026-01-28.

Conditions:
IFNAR2-related disorder. Also called: IFNAR2-related condition.

Allele frequency attached by ClinVar (database versions not stated): gnomAD exomes 0.00036 and 0.00078; ExAC 0.00105; gnomAD 0.00306 and 0.00320; ESP Exome Variant Server 0.00308; TOPMed 0.00352; 1000 Genomes Project 30x 0.00547; 1000 Genomes Project 0.00579.
gnomAD v4.1: 1,021 of 1,614,162 alleles (0.063%); highest among the groups gnomAD compares: African/African-American, 1.1%; 9 homozygotes.

Submissions (6):

Labcorp Genetics (formerly Invitae), Labcorp
Classification: Benign. Last evaluated: 2026-01-28. Review status: criteria provided, single submitter. Criteria: Invitae Variant Classification Sherloc (09022015). Collection method: clinical testing. Allele origin: germline.

Mayo Clinic Laboratories, Mayo Clinic
Classification: Benign. Last evaluated: 2025-10-28. Review status: criteria provided, single submitter. Criteria: ACMG Guidelines, 2015. Collection method: clinical testing. Allele origin: germline. Observed: 1 variant allele.
Comment: BS1, BS2, BP4, BP7

Blueprint Genetics
Classification: Likely benign. Last evaluated: 2024-09-23. Review status: criteria provided, single submitter. Criteria: ACMG Guidelines, 2015. Collection method: clinical testing. Allele origin: germline.

CeGaT Center for Human Genetics Tuebingen
Classification: Benign. Last evaluated: 2024-04-01. Review status: criteria provided, single submitter. Criteria: CeGaT Center For Human Genetics Tuebingen Variant Classification Criteria Version 2. Collection method: clinical testing. Allele origin: germline. Affected: yes. Observed: 1 variant allele.
Comment: IFNAR2: BP4, BP7, BS1, BS2

Breakthrough Genomics
Classification: Benign. Review status: criteria provided, single submitter. Criteria: ACMG Guidelines, 2015. Collection method: not provided. Allele origin: germline. Inheritance: Autosomal recessive inheritance. Affected: yes.

PreventionGenetics, part of Exact Sciences
Classification: Benign for IFNAR2-related condition. Last evaluated: 2019-07-11. Review status: no assertion criteria provided. Collection method: clinical testing. Allele origin: germline. Not counted in ClinVar's aggregate classification.
Comment: This variant is classified as benign based on ACMG/AMP sequence variant interpretation guidelines (Richards et al. 2015 PMID: 25741868, with internal and published modifications).